The following is an entry in ClinVar:

NM_001292063.2(OTOG):c.2249G>A (p.Arg750His)

Gene: OTOG (otogelin; plus strand). Cytogenetic location: 11p15.1.
Variant type: single nucleotide variant.
Coding change: c.2249G>A on transcript NM_001292063.2 (MANE Select); coding-DNA position 2249, G replaced by A.
Protein change: p.Arg750His; replaces arginine 750 with histidine.
Molecular consequence: missense variant.
Genome position (GRCh38, 1-based): chr11:17,573,246, G>A. VCF-style: chr11-17573246-G-A. GRCh37 (hg19) VCF-style: chr11-17594793-G-A.
Other names: c.2285G>A, p.Arg762His (NM_001277269.2); short protein forms R750H, R762H.
Identifiers: ClinVar variation 1212522 (VCV001212522.13), dbSNP rs112634925, ClinGen allele CA5905595.
Genomic context (GRCh38, chr11:17,573,246, plus strand): 5'-GCCGCTGCGGGCAGCCCTGCCTGTGCGCCACACTGGCCCACTACGCCCACCTGTGCCGGC[G>A]CCATGGGCTCCCCGTTGATTTCCGCGCCCGCCTGCCAGCCTGTGGTGAGTGCCCCACCCA-3'
Protein context (NP_001278992.1, residues 740-760): TLAHYAHLCR[Arg750His]HGLPVDFRAR

ClinVar aggregate classification (germline): Conflicting classifications of pathogenicity. Review status: criteria provided, conflicting classifications (1 of 4 stars). 4 submissions from 4 submitters: Uncertain significance (2); Likely benign (1). 1 of the submissions does not count toward it. Last evaluated 2025-12-26.

Conditions:
OTOG-related disorder. Also called: OTOG-related condition.

Allele frequency attached by ClinVar (database versions not stated): gnomAD exomes 0.00010 and 0.00022; ExAC 0.00026; 1000 Genomes Project 30x 0.00031; 1000 Genomes Project 0.00040; gnomAD 0.00066 and 0.00071.
gnomAD v4.1: 251 of 1,532,782 alleles (0.016%); highest among the groups gnomAD compares: African/African-American, 0.26%; 2 homozygotes.

Submissions (4):

Labcorp Genetics (formerly Invitae), Labcorp
Classification: Likely benign. Last evaluated: 2025-12-26. Review status: criteria provided, single submitter. Criteria: Invitae Variant Classification Sherloc (09022015). Collection method: clinical testing. Allele origin: germline.

GeneDx
Classification: Uncertain significance. Last evaluated: 2025-07-29. Review status: criteria provided, single submitter. Criteria: GeneDx Variant Classification Process June 2021. Collection method: clinical testing. Allele origin: germline. Affected: yes.
Comment: In silico analysis supports that this missense variant has a deleterious effect on protein structure/function; Has not been previously published as pathogenic or benign to our knowledge

Blueprint Genetics
Classification: Uncertain significance. Last evaluated: 2024-08-06. Review status: criteria provided, single submitter. Criteria: ACMG Guidelines, 2015. Collection method: clinical testing. Allele origin: germline.

PreventionGenetics, part of Exact Sciences
Classification: Likely benign for OTOG-related condition. Last evaluated: 2022-02-10. Review status: no assertion criteria provided. Collection method: clinical testing. Allele origin: germline. Not counted in ClinVar's aggregate classification.
Comment: This variant is classified as likely benign based on ACMG/AMP sequence variant interpretation guidelines (Richards et al. 2015 PMID: 25741868, with internal and published modifications).